The following is an entry in ClinVar:

NM_003073.5(SMARCB1):c.500+40C>T

Gene: SMARCB1 (SWI/SNF related BAF chromatin remodeling complex subunit B1; plus strand). Cytogenetic location: 22q11.23.
Variant type: single nucleotide variant.
Coding change: c.500+40C>T on transcript NM_003073.5 (MANE Select); 40 bases into the intron after coding-DNA position 500, C replaced by T.
Molecular consequence: intron variant. On other transcripts: synonymous variant (2).
Genome position (GRCh38, 1-based): chr22:23,801,121, C>T. VCF-style: chr22-23801121-C-T. GRCh37 (hg19) VCF-style: chr22-24143308-C-T.
Other names: c.513C>T, p.Ser171= (NM_001317946.2); c.540C>T, p.Ser180= (NM_001362877.2); c.473+40C>T (NM_001007468.3); c.540C>T (NM_001362877.1).
Identifiers: ClinVar variation 2652971 (VCV002652971.27), dbSNP rs62642539, ClinGen allele CA10145932.
Genomic context (GRCh38, chr22:23,801,121, plus strand): 5'-GAAGAGAACCTTCCCCCTTTGGTGTGGATGCATCGCTGCACTCACCCTCCGTGCTGATTC[C>T]GCCTTAGTTCTCCAGCACGTTTCAGTTCCTTCCTCCCCAGAAAAACACTCTGCTTTGACC-3'

ClinVar aggregate classification (germline): Likely benign. Review status: criteria provided, multiple submitters, no conflicts (2 of 4 stars). 4 submissions from 4 submitters: Likely benign (3). 1 of the submissions does not count toward it. Last evaluated 2025-11-01.

Conditions:
SMARCB1-related disorder. Also called: SMARCB1-related condition; SMARCB1-related disorders.

Allele frequency attached by ClinVar (database versions not stated): ESP Exome Variant Server 0.00008; gnomAD 0.00009; TOPMed 0.00012; gnomAD exomes 0.00015; ExAC 0.00019.

Submissions (4):

CeGaT Center for Human Genetics Tuebingen
Classification: Likely benign. Last evaluated: 2025-11-01. Review status: criteria provided, single submitter. Criteria: CeGaT Center For Human Genetics Tuebingen Variant Classification Criteria Version 2. Collection method: clinical testing. Allele origin: germline. Affected: yes. Observed: 6 variant alleles.
Comment: SMARCB1: BP4, BP7

Blueprint Genetics
Classification: Likely benign. Last evaluated: 2024-08-16. Review status: criteria provided, single submitter. Criteria: ACMG Guidelines, 2015. Collection method: clinical testing. Allele origin: germline.

ARUP Laboratories, Molecular Genetics and Genomics, ARUP Laboratories
Classification: Likely benign. Last evaluated: 2023-03-27. Review status: criteria provided, single submitter. Criteria: ARUP Molecular Germline Variant Investigation Process 2024. Collection method: clinical testing. Allele origin: germline.

PreventionGenetics, part of Exact Sciences
Classification: Likely benign for SMARCB1-related condition. Last evaluated: 2023-11-27. Review status: no assertion criteria provided. Collection method: clinical testing. Allele origin: germline. Not counted in ClinVar's aggregate classification.
Comment: This variant is classified as likely benign based on ACMG/AMP sequence variant interpretation guidelines (Richards et al. 2015 PMID: 25741868, with internal and published modifications).